The following is an entry in ClinVar:

ClinVar aggregate classification (germline): Uncertain significance (1 of 4 stars; one submission).

Conditions:
Baller-Gerold syndrome (BGS). Also called: CRANIOSYNOSTOSIS WITH RADIAL DEFECTS. Identifiers: Orphanet 1225, MedGen C0265308, MONDO:0009039, OMIM 218600.

Submission:

Labcorp Genetics (formerly Invitae), Labcorp
Classification: Uncertain significance for Baller-Gerold syndrome. Last evaluated: 2022-09-26. Review status: criteria provided, single submitter. Criteria: Invitae Variant Classification Sherloc (09022015). Collection method: clinical testing. Allele origin: germline.
Comment: In summary, the available evidence is currently insufficient to determine the role of this variant in disease. Therefore, it has been classified as a Variant of Uncertain Significance. Experimental studies and prediction algorithms are not available or were not evaluated, and the functional significance of this variant is currently unknown. This sequence change replaces glutamic acid, which is acidic and polar, with leucine, which is neutral and non-polar, at codon 63 of the RECQL4 protein (p.Glu63Leu). Information on the frequency of this variant in the gnomAD database is not available, as this variant may be reported differently in the database. This variant has not been reported in the literature in individuals affected with RECQL4-related conditions.

NM_004260.4(RECQL4):c.187_188delinsTT (p.Glu63Leu)

Genes: RECQL4 (RecQ like helicase 4; minus strand), LOC130001411 (ATAC-STARR-seq lymphoblastoid silent region 19699; plus strand). Cytogenetic location: 8q24.3.
Variant type: Indel.
Coding change: c.187_188delinsTT on transcript NM_004260.4 (MANE Select); coding-DNA positions 187 to 188, GA replaced by TT.
Protein change: p.Glu63Leu; replaces glutamic acid 63 with leucine.
Molecular consequence: missense variant.
Genome position (GRCh38, 1-based): chr8:144,517,439-144,517,440, TC replaced by AA on the plus strand (GA replaced by TT on the coding strand, the reverse complement: RECQL4 is on the minus strand). VCF-style: chr8-144517439-TC-AA. GRCh37 (hg19) VCF-style: chr8-145742823-TC-AA.
Other names: c.187_188delGAinsTT, p.Glu63Leu (NM_001413017.1, NM_001413018.1, NM_001413019.1 and 5 more transcripts); c.-534_-533delGAinsTT (NM_001413021.1); c.-885_-884delGAinsTT (NM_001413022.1, NM_001413023.1, NM_001413037.1 and 2 more transcripts); c.-782_-781delGAinsTT (NM_001413024.1, NM_001413035.1); c.-947_-946delGAinsTT (NM_001413027.1, NM_001413030.1, NM_001413031.1 and 1 more transcripts); c.-610_-609delGAinsTT (NM_001413028.1); c.-844_-843delGAinsTT (NM_001413032.1); c.-789_-788delGAinsTT (NM_001413034.1); and 1 more; short protein forms E63L.
Identifiers: ClinVar variation 2061655 (VCV002061655.4), dbSNP rs2538122022, ClinGen allele CA2580078806.